The following is an entry in ClinVar:

ClinVar aggregate classification (germline): Likely benign (1 of 4 stars; one submission).

gnomAD v4.1: 12 of 1,575,510 alleles (0.00076%); highest among the groups gnomAD compares: Middle Eastern, 0.017%; no homozygotes.

Submission:

Center for Genomic Medicine, Rigshospitalet, Copenhagen University Hospital
Classification: Likely benign. Last evaluated: 2025-12-29. Review status: criteria provided, single submitter. Criteria: ACMG Guidelines, 2015. Collection method: clinical testing. Allele origin: germline.
Comment: Classification criteria: BP4, BP7

NM_000059.4(BRCA2):c.9649-37A>C

Gene: BRCA2 (BRCA2 DNA repair associated; plus strand). Cytogenetic location: 13q13.1.
Variant type: single nucleotide variant.
Coding change: c.9649-37A>C on transcript NM_000059.4 (MANE Select); 37 bases into the intron before coding-DNA position 9649, A replaced by C.
Molecular consequence: intron variant.
Genome position (GRCh38, 1-based): chr13:32,398,125, A>C. VCF-style: chr13-32398125-A-C. GRCh37 (hg19) VCF-style: chr13-32972262-A-C.
Other names: c.9598-37A>C (NM_001406720.1); c.9553-37A>C (NM_001406719.1); c.4717-37A>C (NM_001406721.1); c.3232-37A>C (NM_001406722.1); c.9649-37A>C (NM_001432077.1).
Identifiers: ClinVar variation 4539220 (VCV004539220.1).